The following is an entry in ClinVar:

ClinVar aggregate classification (germline): Uncertain significance. Review status: criteria provided, multiple submitters, no conflicts (2 of 4 stars). 5 submissions from 5 submitters: Uncertain significance (5). Last evaluated 2025-11-18.

Conditions:
Familial colorectal cancer type X. Identifiers: Orphanet 440437, MedGen C3896578, MONDO:0018604.
Ataxia-telangiectasia syndrome (AT). Also called: Cerebello-oculocutaneous telangiectasia; Immunodeficiency with ataxia telangiectasia; Ataxia-telangiectasia; Ataxia telangiectasia (A-T); LOUIS-BAR SYNDROME; Ataxia-telangiectasia, complementation group D. Identifiers: Orphanet 100, MedGen C0004135, MONDO:0008840, OMIM 208900.
Hereditary cancer-predisposing syndrome. Also called: Neoplastic Syndromes, Hereditary; Tumor predisposition; Hereditary neoplastic syndrome; Hereditary Cancer Syndrome. Identifiers: Orphanet 140162, MedGen C0027672, MeSH D009386, MONDO:0015356.

Allele frequency attached by ClinVar (database versions not stated): gnomAD exomes below 0.00001; ExAC 0.00001; gnomAD 0.00001; TOPMed 0.00002; ESP Exome Variant Server 0.00008.
gnomAD v4.1: 2 of 1,605,268 alleles (0.00012%); highest among the groups gnomAD compares: African/African-American, 0.0027%; no homozygotes.

Submissions (5):

Labcorp Genetics (formerly Invitae), Labcorp
Classification: Uncertain significance for Ataxia-telangiectasia syndrome. Last evaluated: 2025-11-18. Review status: criteria provided, single submitter. Criteria: Invitae Variant Classification Sherloc (09022015). Collection method: clinical testing. Allele origin: germline.
Comment: This sequence change falls in intron 37 of the ATM gene. It does not directly change the encoded amino acid sequence of the ATM protein. This variant is not present in population databases (gnomAD no frequency). This variant has not been reported in the literature in individuals affected with ATM-related conditions. ClinVar contains an entry for this variant (Variation ID: 245979). Studies have shown that this variant is associated with inconclusive levels of altered splicing (internal data). In summary, the available evidence is currently insufficient to determine the role of this variant in disease. Therefore, it has been classified as a Variant of Uncertain Significance.

Color Diagnostics, LLC DBA Color Health
Classification: Uncertain significance for Hereditary cancer-predisposing syndrome. Last evaluated: 2025-10-21. Review status: criteria provided, single submitter. Criteria: ACMG Guidelines, 2015. Collection method: clinical testing. Allele origin: germline.
Comment: This variant causes a T to G nucleotide substitution at the -10 position of intron 37 of the ATM gene. To our knowledge, functional studies have not been reported for this variant. This variant has not been reported in individuals affected with ATM-related disorders in the literature. This variant has been identified in 2/1605268 chromosomes in the general population by the Genome Aggregation Database (gnomAD). The available evidence is insufficient to determine the role of this variant in disease conclusively. Therefore, this variant is classified as a Variant of Uncertain Significance.

Women's Health and Genetics/Laboratory Corporation of America, LabCorp
Classification: Uncertain significance. Last evaluated: 2024-11-07. Review status: criteria provided, single submitter. Criteria: LabCorp Variant Classification Summary - May 2015. Collection method: clinical testing. Allele origin: germline.
Comment: Variant summary: ATM c.5675-10T>G alters a non-conserved nucleotide located at a position not widely known to affect splicing. Computational tools predict a significant impact on normal splicing: One predicts the variant abolishes a canonical 3' acceptor site. One predicts the variant weakens this site. One predicts the variant has no significant impact on splicing. However, these predictions have yet to be confirmed by functional studies. The variant allele was found at a frequency of 4e-06 in 250548 control chromosomes (gnomAD). The available data on variant occurrences in the general population are insufficient to allow any conclusion about variant significance. c.5675-10T>G has been reported in the literature in an individual affected with Lynch syndrome-associated cancer and/or polyps without cosegregation information (Yurgelun_2015). This report does not provide unequivocal conclusions about association of the variant with Breast Cancer. To our knowledge, no experimental evidence demonstrating an impact on protein function has been reported. The following publication has been ascertained in the context of this evaluation (PMID: 25980754). ClinVar contains an entry for this variant (Variation ID: 245979). Based on the evidence outlined above, the variant was classified as uncertain significance.

Department of Pathology and Laboratory Medicine, Sinai Health System
Classification: Uncertain significance for Familial colorectal cancer type X. Last evaluated: 2022-08-03. Review status: criteria provided, single submitter. Criteria: ACMG Guidelines, 2015. Collection method: clinical testing. Allele origin: germline. Affected: yes.

GeneDx
Classification: Uncertain significance. Last evaluated: 2020-11-02. Review status: criteria provided, single submitter. Criteria: GeneDx Variant Classification Process June 2021. Collection method: clinical testing. Allele origin: germline. Affected: yes.
Comment: Not observed at a significant frequency in large population cohorts (Lek 2016); In-silico analysis, which includes splice predictors and evolutionary conservation, is inconclusive as to whether the variant alters gene splicing. In the absence of RNA/functional studies, the actual effect of this sequence change is unknown.; Also known as ATM IVS39-10T>G; Identified in an individual with a Lynch syndrome-related cancer and/or polyps (Yurgelun 2015); This variant is associated with the following publications: (PMID: 25980754)

Literature cited by the submitters: PubMed 25980754 (cited by Women's Health and Genetics/Laboratory Corporation of America, LabCorp).

NM_000051.4(ATM):c.5675-10T>G

Gene: ATM (ATM serine/threonine kinase; plus strand). Cytogenetic location: 11q22.3.
Variant type: single nucleotide variant.
Coding change: c.5675-10T>G on transcript NM_000051.4 (MANE Select); 10 bases into the intron before coding-DNA position 5675, T replaced by G.
Molecular consequence: intron variant.
Genome position (GRCh38, 1-based): chr11:108,307,887, T>G. VCF-style: chr11-108307887-T-G. GRCh37 (hg19) VCF-style: chr11-108178614-T-G.
Other names: c.5675-10T>G (NM_001351834.2, NM_000051.2).
Identifiers: ClinVar variation 245979 (VCV000245979.13), dbSNP rs377599533, ClinGen allele CA6265755.
Genomic context (GRCh38, chr11:108,307,887, plus strand): 5'-ATAAACAAGAAGGAAGAAGGTGTGTAAGCAAGAATGCCTGGGACTGAGGGGAGATATTTT[T>G]GTTTGTCAGAGTCAGAGCACTTTTTCCGATGCTGTTTGGATAAAAAATCACAAAGAACAA-3'